The following is an entry in ClinVar:

ClinVar aggregate classification (germline): Uncertain significance. Review status: criteria provided, multiple submitters, no conflicts (2 of 4 stars). 3 submissions from 3 submitters: Uncertain significance (3). Last evaluated 2024-03-06.

Conditions:
Hereditary cancer-predisposing syndrome. Also called: Hereditary neoplastic syndrome; Neoplastic Syndromes, Hereditary; Tumor predisposition; Hereditary Cancer Syndrome. Identifiers: Orphanet 140162, MedGen C0027672, MeSH D009386, MONDO:0015356.
Hereditary diffuse gastric adenocarcinoma (HDGC). Also called: DIFFUSE GASTRIC AND LOBULAR BREAST CANCER SYNDROME. Identifiers: Orphanet 26106, MedGen C1708349, MONDO:0007648, OMIM 137215.

Allele frequency attached by ClinVar (database versions not stated): gnomAD exomes below 0.00001.
gnomAD v4.1: 5 of 1,614,048 alleles (0.00031%); highest among the groups gnomAD compares: Non-Finnish European, 0.00042%; no homozygotes.

Submissions (3):

Color Diagnostics, LLC DBA Color Health
Classification: Uncertain significance for Hereditary cancer-predisposing syndrome. Last evaluated: 2024-03-06. Review status: criteria provided, single submitter. Criteria: ACMG Guidelines, 2015. Collection method: clinical testing. Allele origin: germline.
Comment: This missense variant replaces threonine with alanine at codon 639 of the CDH1 protein. Computational prediction tool suggests that this variant may not impact protein structure and function (internally defined REVEL score threshold <=0.5, PMID: 27666373). Splice site prediction tools suggest that this variant may not impact RNA splicing. To our knowledge, functional studies have not been performed for this variant. This variant has not been reported in individuals affected with hereditary cancer in the literature. This variant has not been identified in the general population by the Genome Aggregation Database (gnomAD). The available evidence is insufficient to determine the role of this variant in disease conclusively. Therefore, this variant is classified as a Variant of Uncertain Significance.

Ambry Genetics
Classification: Uncertain significance for Hereditary cancer-predisposing syndrome. Last evaluated: 2023-10-12. Review status: criteria provided, single submitter. Criteria: Ambry Variant Classification Scheme 2023. Collection method: clinical testing. Allele origin: germline.
Comment: The p.T639A variant (also known as c.1915A>G), located in coding exon 12 of the CDH1 gene, results from an A to G substitution at nucleotide position 1915. The threonine at codon 639 is replaced by alanine, an amino acid with similar properties. This amino acid position is not well conserved in available vertebrate species. In addition, this alteration is predicted to be tolerated by in silico analysis. Since supporting evidence is limited at this time, the clinical significance of this alteration remains unclear.

Labcorp Genetics (formerly Invitae), Labcorp
Classification: Uncertain significance for Hereditary diffuse gastric adenocarcinoma. Last evaluated: 2022-06-24. Review status: criteria provided, single submitter. Criteria: Invitae Variant Classification Sherloc (09022015). Collection method: clinical testing. Allele origin: germline.
Comment: ClinVar contains an entry for this variant (Variation ID: 481677). Algorithms developed to predict the effect of missense changes on protein structure and function are either unavailable or do not agree on the potential impact of this missense change (SIFT: "Deleterious"; PolyPhen-2: "Benign"; Align-GVGD: "Class C0"). In summary, the available evidence is currently insufficient to determine the role of this variant in disease. Therefore, it has been classified as a Variant of Uncertain Significance. This variant has not been reported in the literature in individuals affected with CDH1-related conditions. This sequence change replaces threonine, which is neutral and polar, with alanine, which is neutral and non-polar, at codon 639 of the CDH1 protein (p.Thr639Ala). This variant is not present in population databases (gnomAD no frequency).

NM_004360.5(CDH1):c.1915A>G (p.Thr639Ala)

Gene: CDH1 (cadherin 1; plus strand). Cytogenetic location: 16q22.1.
Variant type: single nucleotide variant.
Coding change: c.1915A>G on transcript NM_004360.5 (MANE Select); coding-DNA position 1915, A replaced by G.
Protein change: p.Thr639Ala; replaces threonine 639 with alanine.
Molecular consequence: missense variant. On other transcripts: 5 prime UTR variant (1).
Genome position (GRCh38, 1-based): chr16:68,822,204, A>G. VCF-style: chr16-68822204-A-G. GRCh37 (hg19) VCF-style: chr16-68856107-A-G.
Other names: c.1915A>G (LRG_301t1); c.1732A>G, p.Thr578Ala (NM_001317184.2); c.367A>G, p.Thr123Ala (NM_001317185.2); c.-51A>G (NM_001317186.2); short protein forms T639A, T578A, T123A.
Identifiers: ClinVar variation 481677 (VCV000481677.19), dbSNP rs1555516895, ClinGen allele CA396467243.
Genomic context (GRCh38, chr16:68,822,204, plus strand): 5'-CTTCCTCCCAATACATCTCCCTTCACAGCAGAACTAACACACGGGGCGAGTGCCAACTGG[A>G]CCATTCAGTACAACGACCCAAGTGGGTACCTGAGTTTTATTTTGGCAACTTTGCTCCAAC-3'
Protein context (NP_004351.1, residues 629-649): ELTHGASANW[Thr639Ala]IQYNDPTQES